The following is an entry in ClinVar:

ClinVar aggregate classification (germline): Likely pathogenic (1 of 4 stars; one submission).

Conditions:
Intellectual developmental disorder, X-linked, syndromic, Turner type. Also called: X-linked intellectual disability, Turner type; Intellectual disability, X-linked syndromic, Turner type. Identifiers: Orphanet 3056, Orphanet 85328, MedGen C2678046, MONDO:0010407, OMIM 309590.

Submission:

Gansu Provincial Maternity and Child Care Hospital
Classification: Likely pathogenic for Intellectual developmental disorder, X-linked, syndromic, Turner type. Last evaluated: 2026-05-18. Review status: criteria provided, single submitter. Criteria: ACMG Guidelines, 2015. Collection method: clinical testing. Allele origin: de novo. Inheritance: X-linked inheritance. Affected: yes.
Comment: The c.9070G>A (p.Ala3024Thr) variant is a missense variant. Parental verification confirmed it as a de novo variant (PS2). This site is not recorded in the gnomAD database (PM2_supporting).Missense variant in HUWE1 has a low rate of benign missense variation and in which missense variants are a common mechanism of disease(PP2).Multiple in silico tools predicted a deleterious effect (PP3).This variant is classified as Likely pathogenic.

NM_031407.7(HUWE1):c.9070G>A (p.Ala3024Thr)

Gene: HUWE1 (HECT, UBA and WWE domain containing E3 ubiquitin protein ligase 1; minus strand). Cytogenetic location: Xp11.22.
Variant type: single nucleotide variant.
Coding change: c.9070G>A on transcript NM_031407.7 (MANE Select); coding-DNA position 9070, G replaced by A.
Protein change: p.Ala3024Thr; replaces alanine 3024 with threonine.
Molecular consequence: missense variant.
Genome position (GRCh38, 1-based): chrX:53,551,292, C>T on the plus strand (G>A on the coding strand, the complement: HUWE1 is on the minus strand). VCF-style: chrX-53551292-C-T. GRCh37 (hg19) VCF-style: chrX-53578253-C-T.
Other names: c.9067G>A, p.Ala3023Thr (NM_001441048.1, NM_001441051.1, NM_001441053.1 and 2 more transcripts); c.9070G>A, p.Ala3024Thr (NM_001441049.1, NM_001441054.1, NM_001441057.1); c.9091G>A, p.Ala3031Thr (NM_001441050.1, NM_001441055.1); c.8668G>A, p.Ala2890Thr (NM_001441052.1); short protein forms A2890T, A3023T, A3024T, A3031T.
Identifiers: ClinVar variation 4851311 (VCV004851311.1).